The following is an entry in ClinVar:

ClinVar aggregate classification (germline): Uncertain significance (1 of 4 stars; one submission).

Conditions:
Kabuki syndrome. Also called: Kabuki make-up syndrome; NIIKAWA-KUROKI SYNDROME. Identifiers: Orphanet 2322, MedGen C0796004, MONDO:0016512.

gnomAD v4.1: 1 of 1,613,908 alleles (0.000062%); highest among the groups gnomAD compares: Admixed American, 0.0017%; no homozygotes.

Submission:

Labcorp Genetics (formerly Invitae), Labcorp
Classification: Uncertain significance for Kabuki syndrome. Last evaluated: 2024-11-18. Review status: criteria provided, single submitter. Criteria: Invitae Variant Classification Sherloc (09022015). Collection method: clinical testing. Allele origin: germline.
Comment: This sequence change replaces cysteine, which is neutral and slightly polar, with serine, which is neutral and polar, at codon 323 of the KMT2D protein (p.Cys323Ser). This variant is not present in population databases (gnomAD no frequency). This variant has not been reported in the literature in individuals affected with KMT2D-related conditions. Invitae Evidence Modeling of protein sequence and biophysical properties (such as structural, functional, and spatial information, amino acid conservation, physicochemical variation, residue mobility, and thermodynamic stability) indicates that this missense variant is not expected to disrupt KMT2D protein function with a negative predictive value of 95%. In summary, the available evidence is currently insufficient to determine the role of this variant in disease. Therefore, it has been classified as a Variant of Uncertain Significance.

NM_003482.4(KMT2D):c.968G>C (p.Cys323Ser)

Gene: KMT2D (lysine methyltransferase 2D; minus strand). Cytogenetic location: 12q13.12.
Variant type: single nucleotide variant.
Coding change: c.968G>C on transcript NM_003482.4 (MANE Select); coding-DNA position 968, G replaced by C.
Protein change: p.Cys323Ser; replaces cysteine 323 with serine.
Molecular consequence: missense variant.
Genome position (GRCh38, 1-based): chr12:49,053,059, C>G on the plus strand (G>C on the coding strand, the complement: KMT2D is on the minus strand). VCF-style: chr12-49053059-C-G. GRCh37 (hg19) VCF-style: chr12-49446842-C-G.
Other names: short protein forms C323S.
Identifiers: ClinVar variation 3670456 (VCV003670456.2).
Genomic context (GRCh38, chr12:49,053,059, plus strand): 5'-TAGTTCTCAAACCACTCCGAGTTGGGATTCAGTTCTGCTGAGCCCGCCCCACAGGCCCGG[C>G]ACACCCGGCACGCCTAAGGGAAGGGAGTGGGCAAAACAGGCATTGGTCAGACAGCAAAGA-3'
Protein context (NP_003473.3, residues 313-333): HSWKCKACRV[Cys323Ser]RACGAGSAEL